The following is an entry in ClinVar:

ClinVar aggregate classification (germline): Uncertain significance. Review status: criteria provided, multiple submitters, no conflicts (2 of 4 stars). 3 submissions from 3 submitters: Uncertain significance (3). Last evaluated 2024-05-21.

Conditions:
Charcot-Marie-Tooth disease type 2. Also called: Charcot-Marie-Tooth type 2. Identifiers: Orphanet 64746, MedGen C0270914, MONDO:0018993.

Allele frequency attached by ClinVar (database versions not stated): gnomAD below 0.00001 and 0.00001; gnomAD exomes 0.00001; TOPMed 0.00001; ExAC 0.00002; ESP Exome Variant Server 0.00008.
gnomAD v4.1: 18 of 1,613,542 alleles (0.0011%); highest among the groups gnomAD compares: South Asian, 0.0022%; no homozygotes.

Submissions (3):

Labcorp Genetics (formerly Invitae), Labcorp
Classification: Uncertain significance for Charcot-Marie-Tooth disease type 2. Last evaluated: 2024-05-21. Review status: criteria provided, single submitter. Criteria: Invitae Variant Classification Sherloc (09022015). Collection method: clinical testing. Allele origin: germline.
Comment: This sequence change replaces valine, which is neutral and non-polar, with isoleucine, which is neutral and non-polar, at codon 697 of the AARS protein (p.Val697Ile). This variant is present in population databases (rs368191672, gnomAD 0.003%). This variant has not been reported in the literature in individuals affected with AARS-related conditions. ClinVar contains an entry for this variant (Variation ID: 373315). Advanced modeling of protein sequence and biophysical properties (such as structural, functional, and spatial information, amino acid conservation, physicochemical variation, residue mobility, and thermodynamic stability) performed at Invitae indicates that this missense variant is not expected to disrupt AARS protein function with a negative predictive value of 95%. In summary, the available evidence is currently insufficient to determine the role of this variant in disease. Therefore, it has been classified as a Variant of Uncertain Significance.

CeGaT Center for Human Genetics Tuebingen
Classification: Uncertain significance. Last evaluated: 2017-10-01. Review status: criteria provided, single submitter. Criteria: CeGaT Center For Human Genetics Tuebingen Variant Classification Criteria Version 2. Collection method: clinical testing. Allele origin: germline. Affected: yes. Observed: 1 variant allele.

GeneDx
Classification: Uncertain significance. Last evaluated: 2016-11-28. Review status: criteria provided, single submitter. Criteria: GeneDx Variant Classification (06012015). Collection method: clinical testing. Allele origin: germline. Affected: yes.
Comment: The V697I variant in the AARS gene has not been reported previously as a pathogenic variant, nor as a benign variant, to our knowledge. The V697I variant was not observed with any significant frequency in approximately 6500 individuals of European and African American ancestry in the NHLBI Exome Sequencing Project, indicating it is not a common benign variant in these populations. The V697I variant is a conservative amino acid substitution, which is not likely to impact secondary protein structure as these residues share similar properties. This substitution occurs at a position that is conserved across species. In silico analysis is inconsistent in its predictions as to whether or not the variant is damaging to the protein structure/function. We interpret V697I as a variant of uncertain significance.

NM_001605.3(AARS1):c.2089G>A (p.Val697Ile)

Gene: AARS1 (alanyl-tRNA synthetase 1; minus strand). Cytogenetic location: 16q22.1.
Variant type: single nucleotide variant.
Coding change: c.2089G>A on transcript NM_001605.3 (MANE Select); coding-DNA position 2089, G replaced by A.
Protein change: p.Val697Ile; replaces valine 697 with isoleucine.
Molecular consequence: missense variant.
Genome position (GRCh38, 1-based): chr16:70,258,121, C>T on the plus strand (G>A on the coding strand, the complement: AARS1 is on the minus strand). VCF-style: chr16-70258121-C-T. GRCh37 (hg19) VCF-style: chr16-70292024-C-T.
Other names: short protein forms V697I.
Identifiers: ClinVar variation 373315 (VCV000373315.46), dbSNP rs368191672, ClinGen allele CA8140567.